The following is an entry in ClinVar:

NM_024996.7(GFM1):c.2068del (p.Asp690fs)

Gene: GFM1 (G elongation factor mitochondrial 1; plus strand). Cytogenetic location: 3q25.32.
Variant type: Deletion.
Coding change: c.2068del on transcript NM_024996.7 (MANE Select); coding-DNA position 2068, one base deleted (G; older notation c.2068delG).
Protein change: p.Asp690fs; shifts the reading frame from aspartic acid 690.
Molecular consequence: frameshift variant. On other transcripts: non-coding transcript variant (4).
Genome position (GRCh38, 1-based): chr3:158,690,321, G deleted. VCF-style (leftmost placement, unchanged base first): chr3-158690320-AG-A. GRCh37 (hg19) VCF-style: chr3-158408109-AG-A.
Other names: c.2125del, p.Asp709fs (NM_001308164.2); c.1987del, p.Asp663fs (NM_001374355.1); c.1951del, p.Asp651fs (NM_001374356.1); c.1843del, p.Asp615fs (NM_001374357.1); c.1609del, p.Asp537fs (NM_001374358.1); c.1501del, p.Asp501fs (NM_001374359.1, NM_001374360.1); c.1384del, p.Asp462fs (NM_001374361.1); short protein forms D501fs, D537fs, D462fs, D651fs, D663fs, D690fs, D615fs, D709fs.
Identifiers: ClinVar variation 3672026 (VCV003672026.2).

ClinVar aggregate classification (germline): Pathogenic (1 of 4 stars; one submission).

Submission:

Labcorp Genetics (formerly Invitae), Labcorp
Classification: Pathogenic. Last evaluated: 2024-04-24. Review status: criteria provided, single submitter. Criteria: Invitae Variant Classification Sherloc (09022015). Collection method: clinical testing. Allele origin: germline.
Comment: This sequence change creates a premature translational stop signal (p.Asp690Metfs*4) in the GFM1 gene. It is expected to result in an absent or disrupted protein product. Loss-of-function variants in GFM1 are known to be pathogenic (PMID: 16632485, 17160893). This variant is not present in population databases (gnomAD no frequency). This variant has not been reported in the literature in individuals affected with GFM1-related conditions. For these reasons, this variant has been classified as Pathogenic.

Literature cited by the submitters: PubMed 16632485; PubMed 17160893.